The following is an entry in ClinVar:

NM_001145809.2(MYH14):c.2269C>A (p.Leu757Ile)

Gene: MYH14 (myosin heavy chain 14; plus strand). Cytogenetic location: 19q13.33.
Variant type: single nucleotide variant.
Coding change: c.2269C>A on transcript NM_001145809.2 (MANE Select); coding-DNA position 2269, C replaced by A.
Protein change: p.Leu757Ile; replaces leucine 757 with isoleucine.
Molecular consequence: missense variant.
Genome position (GRCh38, 1-based): chr19:50,259,180, C>A. VCF-style: chr19-50259180-C-A. GRCh37 (hg19) VCF-style: chr19-50762437-C-A.
Other names: c.2170C>A, p.Leu724Ile (NM_001077186.2); c.2146C>A, p.Leu716Ile (NM_024729.4); short protein forms L716I, L724I, L757I.
Identifiers: ClinVar variation 2433876 (VCV002433876.4), dbSNP rs2514381787, ClinGen allele CA406944862.

ClinVar aggregate classification (germline): Uncertain significance. Review status: criteria provided, multiple submitters, no conflicts (2 of 4 stars). 2 submissions from 2 submitters: Uncertain significance (2). Last evaluated 2024-09-10.

Submissions (2):

GeneDx
Classification: Uncertain significance. Last evaluated: 2024-09-10. Review status: criteria provided, single submitter. Criteria: GeneDx Variant Classification Process June 2021. Collection method: clinical testing. Allele origin: germline. Affected: yes.
Comment: Not observed at significant frequency in large population cohorts (gnomAD); In silico analysis indicates that this missense variant does not alter protein structure/function; Has not been previously published as pathogenic or benign to our knowledge

Revvity Omics, Revvity
Classification: Uncertain significance. Last evaluated: 2019-05-13. Review status: criteria provided, single submitter. Criteria: ACMG Guidelines, 2015. Collection method: clinical testing. Allele origin: germline.